The following is an entry in ClinVar:

NM_004656.4(BAP1):c.1939G>C (p.Glu647Gln)

Gene: BAP1 (BRCA1 associated deubiquitinase 1; minus strand). Cytogenetic location: 3p21.1.
Variant type: single nucleotide variant.
Coding change: c.1939G>C on transcript NM_004656.4 (MANE Select); coding-DNA position 1939, G replaced by C.
Protein change: p.Glu647Gln; replaces glutamic acid 647 with glutamine.
Molecular consequence: missense variant.
Genome position (GRCh38, 1-based): chr3:52,402,823, C>G on the plus strand (G>C on the coding strand, the complement: BAP1 is on the minus strand). VCF-style: chr3-52402823-C-G. GRCh37 (hg19) VCF-style: chr3-52436839-C-G.
Other names: short protein forms E647Q.
Identifiers: ClinVar variation 1421466 (VCV001421466.12), dbSNP rs1705009525, ClinGen allele CA353096679.
Genomic context (GRCh38, chr3:52,402,823, plus strand): 5'-TGGAGAAATCACCCACCTTGAACTTCTTCCTCTTCTCTACCTCCTCCTTGAGGCACGCCT[C>G]ATAGTTTGCAATCTCAGCCTCCACACACTTCAGCAGTGCCAGCAGCTCCTGCCAAAACCC-3'
Protein context (NP_004647.1, residues 637-657): KCVEAEIANY[Glu647Gln]ACLKEEVEKR

ClinVar aggregate classification (germline): Uncertain significance. Review status: criteria provided, multiple submitters, no conflicts (2 of 4 stars). 2 submissions from 2 submitters: Uncertain significance (2). Last evaluated 2022-03-24.

Conditions:
BAP1-related tumor predisposition syndrome (TPDS1). Also called: BAP1 tumor predisposition syndrome; COMMON Syndrome; TUMOR PREDISPOSITION SYNDROME 1; Tumor susceptibility linked to germline BAP1 mutations. Identifiers: Orphanet 289539, MedGen C3280492, MONDO:0013692, OMIM 614327.
Hereditary cancer-predisposing syndrome. Also called: Neoplastic Syndromes, Hereditary; Hereditary Cancer Syndrome; Hereditary neoplastic syndrome; Tumor predisposition. Identifiers: Orphanet 140162, MedGen C0027672, MeSH D009386, MONDO:0015356.

Allele frequency attached by ClinVar (database versions not stated): gnomAD exomes below 0.00001.
gnomAD v4.1: 3 of 1,614,238 alleles (0.00019%); highest among the groups gnomAD compares: Non-Finnish European, 0.00025%; no homozygotes.

Submissions (2):

Ambry Genetics
Classification: Uncertain significance for Hereditary cancer-predisposing syndrome. Last evaluated: 2022-03-24. Review status: criteria provided, single submitter. Criteria: Ambry Variant Classification Scheme 2023. Collection method: clinical testing. Allele origin: germline.
Comment: The p.E647Q variant (also known as c.1939G>C), located in coding exon 15 of the BAP1 gene, results from a G to C substitution at nucleotide position 1939. The glutamic acid at codon 647 is replaced by glutamine, an amino acid with highly similar properties. This amino acid position is conserved. In addition, this alteration is predicted to be tolerated by in silico analysis. Since supporting evidence is limited at this time, the clinical significance of this alteration remains unclear.

Labcorp Genetics (formerly Invitae), Labcorp
Classification: Uncertain significance for BAP1-related tumor predisposition syndrome. Last evaluated: 2021-07-01. Review status: criteria provided, single submitter. Criteria: Invitae Variant Classification Sherloc (09022015). Collection method: clinical testing. Allele origin: germline.
Comment: In summary, the available evidence is currently insufficient to determine the role of this variant in disease. Therefore, it has been classified as a Variant of Uncertain Significance. Algorithms developed to predict the effect of missense changes on protein structure and function are either unavailable or do not agree on the potential impact of this missense change (SIFT: "Deleterious"; PolyPhen-2: "Probably Damaging"; Align-GVGD: "Class C0"). This variant has not been reported in the literature in individuals affected with BAP1-related conditions. This variant is not present in population databases (ExAC no frequency). This sequence change replaces glutamic acid with glutamine at codon 647 of the BAP1 protein (p.Glu647Gln). The glutamic acid residue is highly conserved and there is a small physicochemical difference between glutamic acid and glutamine.